The following is an entry in ClinVar:

ClinVar aggregate classification (germline): Uncertain significance (1 of 4 stars; one submission).

Conditions:
Beck-Fahrner syndrome (BEFAHRS). Identifiers: Orphanet 684216, MedGen C5394097, MONDO:0032922, OMIM 618798.

gnomAD v4.1: 88 of 1,552,044 alleles (0.0057%); highest among the groups gnomAD compares: African/African-American, 0.096%; 1 homozygote.

Submission:

Pittsburgh Clinical Genomics Laboratory, University of Pittsburgh Medical Center
Classification: Uncertain significance for Beck-Fahrner syndrome. Last evaluated: 2023-12-30. Review status: criteria provided, single submitter. Criteria: ACMG Guidelines, 2015. Collection method: clinical testing. Allele origin: germline. Inheritance: Autosomal unknown. Affected: yes.
Comment: This sequence variant is a single nucleotide substitution (G>A) at position 2764 of the coding sequence of the TET3 gene that results in a valine to isoleucine amino acid change at residue 922 of the tet methylcytosine dioxygenase 3 protein. The 922 residue falls in the interaction with DNA domain (Uniprot). This variant is absent from ClinVar and has not been observed in an individual affected by a TET3-related disorder in the published literature, to our knowledge. This variant is present in 47 of 308028 alleles (0.0153%) in the gnomAD population dataset. Bioinformatic tools provide conflicting predictions concerning the impact of this valine to isoleucine amino acid change, and the Val922 residue at this position is highly conserved across the vertebrate species examined. Studies examining the functional consequence of this variant have not been published, to our knowledge. At this time, there is insufficient evidence to determine if this variant is pathogenic or benign. Therefore, we consider this a variant of uncertain significance. ACMG Criteria:

NM_001287491.2(TET3):c.2764G>A (p.Val922Ile)

Gene: TET3 (tet methylcytosine dioxygenase 3; plus strand). Cytogenetic location: 2p13.1.
Variant type: single nucleotide variant.
Coding change: c.2764G>A on transcript NM_001287491.2 (MANE Select); coding-DNA position 2764, G replaced by A.
Protein change: p.Val922Ile; replaces valine 922 with isoleucine.
Molecular consequence: missense variant.
Genome position (GRCh38, 1-based): chr2:74,087,914, G>A. VCF-style: chr2-74087914-G-A. GRCh37 (hg19) VCF-style: chr2-74315041-G-A.
Other names: c.2485G>A, p.Val829Ile (NM_001366022.1); short protein forms V829I, V922I.
Identifiers: ClinVar variation 3376388 (VCV003376388.1).